The following is an entry in ClinVar:

NM_032043.3(BRIP1):c.1633G>A (p.Ala545Thr)

Gene: BRIP1 (BRCA1 interacting DNA helicase 1; minus strand). Cytogenetic location: 17q23.2.
Variant type: single nucleotide variant.
Coding change: c.1633G>A on transcript NM_032043.3 (MANE Select); coding-DNA position 1633, G replaced by A.
Protein change: p.Ala545Thr; replaces alanine 545 with threonine.
Molecular consequence: missense variant.
Genome position (GRCh38, 1-based): chr17:61,781,001, C>T on the plus strand (G>A on the coding strand, the complement: BRIP1 is on the minus strand). VCF-style: chr17-61781001-C-T. GRCh37 (hg19) VCF-style: chr17-59858362-C-T.
Other names: short protein forms A545T.
Identifiers: ClinVar variation 3758477 (VCV003758477.2).

ClinVar aggregate classification (germline): Uncertain significance (1 of 4 stars; one submission).

Conditions:
Fanconi anemia complementation group J. Also called: BRIP1-Related Fanconi Anemia. Identifiers: Orphanet 84, MedGen C1836860, MONDO:0012187, OMIM 609054.
Familial cancer of breast. Also called: BREAST CANCER, FAMILIAL; Hereditary breast cancer; hereditary breast carcinoma. Identifiers: Orphanet 227535, MedGen C0346153, MONDO:0016419, OMIM 114480. Disease mechanism: loss of function.

Submission:

Labcorp Genetics (formerly Invitae), Labcorp
Classification: Uncertain significance for Familial cancer of breast; Fanconi anemia complementation group J. Last evaluated: 2024-12-12. Review status: criteria provided, single submitter. Criteria: Invitae Variant Classification Sherloc (09022015). Collection method: clinical testing. Allele origin: germline.
Comment: This sequence change replaces alanine, which is neutral and non-polar, with threonine, which is neutral and polar, at codon 545 of the BRIP1 protein (p.Ala545Thr). This variant is not present in population databases (gnomAD no frequency). This variant has not been reported in the literature in individuals affected with BRIP1-related conditions. Invitae Evidence Modeling of protein sequence and biophysical properties (such as structural, functional, and spatial information, amino acid conservation, physicochemical variation, residue mobility, and thermodynamic stability) has been performed for this missense variant. However, the output from this modeling did not meet the statistical confidence thresholds required to predict the impact of this variant on BRIP1 protein function. In summary, the available evidence is currently insufficient to determine the role of this variant in disease. Therefore, it has been classified as a Variant of Uncertain Significance.